The following is an entry in ClinVar:

ClinVar aggregate classification (germline): Conflicting classifications of pathogenicity. Review status: criteria provided, conflicting classifications (1 of 4 stars). 2 submissions from 2 submitters: Uncertain significance (1); Likely benign (1). Last evaluated 2024-05-06.

Conditions:
Episodic ataxia type 2 (EA2). Also called: ATAXIA, EPISODIC, WITH NYSTAGMUS; ATAXIA, FAMILIAL PAROXYSMAL; CEREBELLAR ATAXIA, PAROXYSMAL, ACETAZOLAMIDE-RESPONSIVE; CEREBELLOPATHY, HEREDITARY PAROXYSMAL; EPISODIC ATAXIA, NYSTAGMUS-ASSOCIATED; ACETAZOLAMIDE-RESPONSIVE HEREDITARY PAROXYSMAL CEREBELLAR ATAXIA. Identifiers: Orphanet 97, MedGen C1720416, MONDO:0007163, OMIM 108500.
Developmental and epileptic encephalopathy, 42 (DEE42A). Also called: Epileptic encephalopathy, early infantile, 42; DEVELOPMENTAL AND EPILEPTIC ENCEPHALOPATHY 42A; EPILEPTIC ENCEPHALOPATHY, EARLY INFANTILE, 42A. Identifiers: MedGen C4310716, MONDO:0014917, OMIM 617106.

Allele frequency attached by ClinVar (database versions not stated): gnomAD exomes below 0.00001; TOPMed below 0.00001; gnomAD 0.00001.
gnomAD v4.1: 4 of 1,560,860 alleles (0.00026%); highest among the groups gnomAD compares: South Asian, 0.0035%; no homozygotes.

Submissions (2):

Labcorp Genetics (formerly Invitae), Labcorp
Classification: Likely benign for Developmental and epileptic encephalopathy, 42; Episodic ataxia type 2. Last evaluated: 2024-05-06. Review status: criteria provided, single submitter. Criteria: Invitae Variant Classification Sherloc (09022015). Collection method: clinical testing. Allele origin: germline.

GeneDx
Classification: Uncertain significance. Last evaluated: 2019-05-29. Review status: criteria provided, single submitter. Criteria: GeneDx Variant Classification Process June 2021. Collection method: clinical testing. Allele origin: germline. Affected: yes.
Comment: Not observed in large population cohorts (Lek et al., 2016); Has not been previously published as pathogenic or benign to our knowledge; In-silico analysis, which includes splice predictors and evolutionary conservation, is inconclusive as to whether the variant alters gene splicing. In the absence of RNA/functional studies, the actual effect of this sequence change is unknown

NM_001127222.2(CACNA1A):c.6051-9C>G

Gene: CACNA1A (calcium voltage-gated channel subunit alpha1 A; minus strand). Cytogenetic location: 19p13.13.
Variant type: single nucleotide variant.
Coding change: c.6051-9C>G on transcript NM_001127222.2 (MANE Select); 9 bases into the intron before coding-DNA position 6051, C replaced by G.
Molecular consequence: intron variant.
Genome position (GRCh38, 1-based): chr19:13,212,531, G>C on the plus strand (C>G on the coding strand, the complement: CACNA1A is on the minus strand). VCF-style: chr19-13212531-G-C. GRCh37 (hg19) VCF-style: chr19-13323345-G-C.
Other names: c.6054-9C>G (NM_001127221.2); c.6060-9C>G (NM_001174080.2); c.6069-9C>G (NM_000068.4, NM_023035.3).
Identifiers: ClinVar variation 1306201 (VCV001306201.4), dbSNP rs1268738297, ClinGen allele CA783415444.